The following is an entry in ClinVar:

ClinVar aggregate classification (germline): Benign/Likely benign. Review status: criteria provided, multiple submitters, no conflicts (2 of 4 stars). 5 submissions from 5 submitters: Benign (4); Likely benign (1). Last evaluated 2026-02-04.

Conditions:
Oculotrichoanal syndrome (MOTA). Also called: MARLES SYNDROME; Manitoba Oculotrichoanal (MOTA) Syndrome. Identifiers: Orphanet 2717, MedGen C1855425, MONDO:0009560, OMIM 248450.

Allele frequency attached by ClinVar (database versions not stated): gnomAD exomes 0.05805 and 0.06326; ExAC 0.05977; 1000 Genomes Project 30x 0.06527; 1000 Genomes Project 0.06530; gnomAD 0.08271 and 0.08593; TOPMed 0.08507; ESP Exome Variant Server 0.09298.
gnomAD v4.1: 105,206 of 1,613,800 alleles (6.5%); highest among the groups gnomAD compares: African/African-American, 14%; 3,966 homozygotes.

Submissions (11):

Labcorp Genetics (formerly Invitae), Labcorp
Classification: Benign. Last evaluated: 2026-02-04. Review status: criteria provided, single submitter. Criteria: Invitae Variant Classification Sherloc (09022015). Collection method: clinical testing. Allele origin: germline.

Blueprint Genetics
Classification: Likely benign. Last evaluated: 2024-11-27. Review status: criteria provided, single submitter. Criteria: ACMG Guidelines, 2015. Collection method: clinical testing. Allele origin: germline.

Mayo Clinic Laboratories, Mayo Clinic
Classification: Benign. Last evaluated: 2022-03-09. Review status: criteria provided, single submitter. Criteria: ACMG Guidelines, 2015. Collection method: clinical testing. Allele origin: germline. Observed: 9 variant alleles.

Illumina Laboratory Services, Illumina
Classification: Benign for Oculotrichoanal syndrome. Last evaluated: 2018-01-13. Review status: criteria provided, single submitter. Criteria: ICSL Variant Classification Criteria 13 December 2019. Collection method: clinical testing. Allele origin: germline.
Comment: This variant was observed in the ICSL laboratory as part of a predisposition screen in an ostensibly healthy population. It had not been previously curated by ICSL or reported in the Human Gene Mutation Database (HGMD: prior to June 1st, 2018), and was therefore a candidate for classification through an automated scoring system. Utilizing variant allele frequency, disease prevalence and penetrance estimates, and inheritance mode, an automated score was calculated to assess if this variant is too frequent to cause the disease. Based on the score and internal cut-off values, a variant classified as benign is not then subjected to further curation. The score for this variant resulted in a classification of benign for this disease.

Breakthrough Genomics
Classification: Benign. Review status: criteria provided, single submitter. Criteria: ACMG Guidelines, 2015. Collection method: not provided. Allele origin: germline. Inheritance: Autosomal recessive inheritance. Affected: yes.

Dr. Peter K. Rogan Lab, Western University
No classification provided (evidence only). Condition: Colon adenocarcinoma. Review status: no classification provided. Collection method: in vitro. Allele origin: not applicable. Functional consequence: retained intron. Not counted in ClinVar's aggregate classification.

Dr. Peter K. Rogan Lab, Western University
No classification provided (evidence only). Condition: Colon adenocarcinoma. Review status: no classification provided. Collection method: in vitro. Allele origin: not applicable. Functional consequence: retained intron. Not counted in ClinVar's aggregate classification.

Dr. Peter K. Rogan Lab, Western University
No classification provided (evidence only). Condition: Colorectal cancer. Review status: no classification provided. Collection method: in vitro. Allele origin: not applicable. Functional consequence: retained intron. Not counted in ClinVar's aggregate classification.

Dr. Peter K. Rogan Lab, Western University
No classification provided (evidence only). Condition: Thymoma. Review status: no classification provided. Collection method: in vitro. Allele origin: not applicable. Functional consequence: retained intron. Not counted in ClinVar's aggregate classification.

Dr. Peter K. Rogan Lab, Western University
No classification provided (evidence only). Condition: Cholangiocarcinoma. Review status: no classification provided. Collection method: in vitro. Allele origin: not applicable. Functional consequence: retained intron. Not counted in ClinVar's aggregate classification.

Dr. Peter K. Rogan Lab, Western University
No classification provided (evidence only). Condition: Uterine carcinosarcoma. Review status: no classification provided. Collection method: in vitro. Allele origin: not applicable. Functional consequence: retained intron. Not counted in ClinVar's aggregate classification.

NM_001379081.2(FREM1):c.1495A>G (p.Ile499Val)

Gene: FREM1 (FRAS1 related extracellular matrix 1; minus strand). Cytogenetic location: 9p22.3.
Variant type: single nucleotide variant.
Coding change: c.1495A>G on transcript NM_001379081.2 (MANE Select); coding-DNA position 1495, A replaced by G.
Protein change: p.Ile499Val; replaces isoleucine 499 with valine.
Molecular consequence: missense variant. On other transcripts: non-coding transcript variant (2).
Genome position (GRCh38, 1-based): chr9:14,842,559, T>C on the plus strand (A>G on the coding strand, the complement: FREM1 is on the minus strand). VCF-style: chr9-14842559-T-C. GRCh37 (hg19) VCF-style: chr9-14842557-T-C.
Other names: c.1495A>G, p.Ile499Val (NM_144966.7); short protein forms I499V.
Identifiers: ClinVar variation 366159 (VCV000366159.16), dbSNP rs1353223, ClinGen allele CA4991218.